The following is an entry in ClinVar:

NM_022455.5(NSD1):c.5918G>A (p.Gly1973Asp)

Gene: NSD1 (nuclear receptor binding SET domain protein 1; plus strand). Cytogenetic location: 5q35.3.
Variant type: single nucleotide variant.
Coding change: c.5918G>A on transcript NM_022455.5 (MANE Select); coding-DNA position 5918, G replaced by A.
Protein change: p.Gly1973Asp; replaces glycine 1973 with aspartic acid.
Molecular consequence: missense variant.
Genome position (GRCh38, 1-based): chr5:177,282,490, G>A. VCF-style: chr5-177282490-G-A. GRCh37 (hg19) VCF-style: chr5-176709491-G-A.
Other names: c.5045G>A, p.Gly1682Asp (NM_001365684.2, NM_001409308.1, NM_001409309.1 and 1 more transcripts); c.5918G>A, p.Gly1973Asp (NM_001409301.1, NM_001409302.1, NM_001409303.1); c.5498G>A, p.Gly1833Asp (NM_001409304.1); c.5165G>A, p.Gly1722Asp (NM_001409305.1); c.5156G>A, p.Gly1719Asp (NM_001409306.1, NM_001409307.1); short protein forms G1682D, G1719D, G1722D, G1833D, G1973D.
Identifiers: ClinVar variation 3768593 (VCV003768593.2).

ClinVar aggregate classification (germline): Likely pathogenic. Review status: criteria provided, multiple submitters, no conflicts (2 of 4 stars). 2 submissions from 2 submitters: Likely pathogenic (2). Last evaluated 2025-02-11.

Conditions:
NSD1-related disorder. Also called: NSD1-related condition.
Sotos syndrome (SOTOS). Also called: Distinctive facial appearance, overgrowth in childhood, and learning disabilities or delayed development; SOTOS SYNDROME 1; CHROMOSOME 5q35 DELETION SYNDROME; CEREBRAL GIGANTISM; Sotos' syndrome. Identifiers: Orphanet 821, MedGen C0175695, MONDO:0019349, OMIM 117550.

Submissions (2):

Women's Health and Genetics/Laboratory Corporation of America, LabCorp
Classification: Likely pathogenic for Sotos syndrome. Last evaluated: 2025-02-11. Review status: criteria provided, single submitter. Criteria: LabCorp Variant Classification Summary - May 2015. Collection method: clinical testing. Allele origin: germline.
Comment: Variant summary: NSD1 c.5918G>A (p.Gly1973Asp) results in a non-conservative amino acid change located in the SET domain (IPR046341) of the encoded protein sequence. Five of five in-silico tools predict a damaging effect of the variant on protein function. The variant was absent in 251396 control chromosomes (gnomAD V2 and V4) . To our knowledge, no experimental evidence demonstrating an impact on protein function has been reported. No submitters have cited clinical-significance assessments for this variant to ClinVar. Based on the evidence outlined above, the variant was classified as likely pathogenic.

Blueprint Genetics
Classification: Likely pathogenic for NSD1-related disorders. Last evaluated: 2023-03-27. Review status: criteria provided, single submitter. Criteria: ACMG Guidelines, 2015. Collection method: clinical testing. Allele origin: germline. Affected: yes. Observed: 1 variant allele.